The following is an entry in ClinVar:

NM_013275.6(ANKRD11):c.3973T>A (p.Phe1325Ile)

Gene: ANKRD11 (ankyrin repeat domain 11; minus strand). Cytogenetic location: 16q24.3.
Variant type: single nucleotide variant.
Coding change: c.3973T>A on transcript NM_013275.6 (MANE Select); coding-DNA position 3973, T replaced by A.
Protein change: p.Phe1325Ile; replaces phenylalanine 1325 with isoleucine.
Molecular consequence: missense variant.
Genome position (GRCh38, 1-based): chr16:89,282,569, A>T on the plus strand (T>A on the coding strand, the complement: ANKRD11 is on the minus strand). VCF-style: chr16-89282569-A-T. GRCh37 (hg19) VCF-style: chr16-89348977-A-T.
Other names: c.3973T>A, p.Phe1325Ile (NM_001256182.2, NM_001256183.2); short protein forms F1325I.
Identifiers: ClinVar variation 1736629 (VCV001736629.6), dbSNP rs138543822, ClinGen allele CA8242239.

ClinVar aggregate classification (germline): Conflicting classifications of pathogenicity. Review status: criteria provided, conflicting classifications (1 of 4 stars). 3 submissions from 3 submitters: Uncertain significance (1); Likely benign (2). Last evaluated 2024-09-11.

Conditions:
Inborn genetic diseases. Identifiers: MedGen C0950123, MeSH D030342.
KBG syndrome (KBGS). Also called: ANKRD11-Related KBG Syndrome. Identifiers: Orphanet 2332, MedGen C0220687, MONDO:0007846, OMIM 148050.

Allele frequency attached by ClinVar (database versions not stated): ESP Exome Variant Server 0.00008.
gnomAD v4.1: 151 of 1,613,878 alleles (0.0094%); highest among the groups gnomAD compares: Non-Finnish European, 0.012%; no homozygotes.

Submissions (3):

Labcorp Genetics (formerly Invitae), Labcorp
Classification: Uncertain significance for KBG syndrome. Last evaluated: 2024-09-11. Review status: criteria provided, single submitter. Criteria: Invitae Variant Classification Sherloc (09022015). Collection method: clinical testing. Allele origin: germline.
Comment: This sequence change replaces phenylalanine, which is neutral and non-polar, with isoleucine, which is neutral and non-polar, at codon 1325 of the ANKRD11 protein (p.Phe1325Ile). This variant is present in population databases (rs138543822, gnomAD 0.008%). This variant has not been reported in the literature in individuals affected with ANKRD11-related conditions. ClinVar contains an entry for this variant (Variation ID: 1736629). Invitae Evidence Modeling of protein sequence and biophysical properties (such as structural, functional, and spatial information, amino acid conservation, physicochemical variation, residue mobility, and thermodynamic stability) indicates that this missense variant is not expected to disrupt ANKRD11 protein function with a negative predictive value of 95%. In summary, the available evidence is currently insufficient to determine the role of this variant in disease. Therefore, it has been classified as a Variant of Uncertain Significance.

Blueprint Genetics
Classification: Likely benign. Last evaluated: 2023-06-15. Review status: criteria provided, single submitter. Criteria: ACMG Guidelines, 2015. Collection method: clinical testing. Allele origin: germline.

Ambry Genetics
Classification: Likely benign for Inborn genetic diseases. Last evaluated: 2018-07-06. Review status: criteria provided, single submitter. Criteria: Ambry Variant Classification Scheme 2023. Collection method: clinical testing. Allele origin: germline.